The following is an entry in ClinVar:

ClinVar aggregate classification (germline): Likely benign (1 of 4 stars; one submission).

Allele frequency attached by ClinVar (database versions not stated): 1000 Genomes Project 0.00200; 1000 Genomes Project 30x 0.00234; ExAC 0.00451; TOPMed 0.00482; gnomAD 0.00541; gnomAD exomes 0.00667.
gnomAD v4.1: 10,036 of 1,536,098 alleles (0.65%); highest among the groups gnomAD compares: Non-Finnish European, 0.75%; 48 homozygotes.

Submission:

CeGaT Center for Human Genetics Tuebingen
Classification: Likely benign. Last evaluated: 2022-11-01. Review status: criteria provided, single submitter. Criteria: CeGaT Center For Human Genetics Tuebingen Variant Classification Criteria Version 2. Collection method: clinical testing. Allele origin: germline. Affected: yes. Observed: 1 variant allele.
Comment: TBC1D30: BP4, BP7, BS2

NM_015279.2(TBC1D30):c.498C>T (p.Ala166=)

Gene: TBC1D30 (TBC1 domain family member 30; plus strand). Cytogenetic location: 12q14.3.
Variant type: single nucleotide variant.
Coding change: c.498C>T on transcript NM_015279.2 (MANE Select); coding-DNA position 498, C replaced by T.
Protein change: p.Ala166=; no amino-acid change (alanine 166 retained).
Molecular consequence: synonymous variant.
Genome position (GRCh38, 1-based): chr12:64,832,208, C>T. VCF-style: chr12-64832208-C-T. GRCh37 (hg19) VCF-style: chr12-65225988-C-T.
Other names: c.498C>T, p.Ala166= (NM_001330186.2); c.156C>T, p.Ala52= (NM_001330187.2, NM_001330188.2, NM_001364838.2).
Identifiers: ClinVar variation 2643163 (VCV002643163.24), dbSNP rs181148724, ClinGen allele CA6670104.